The following is an entry in ClinVar:

NM_080473.5(GATA5):c.308G>A (p.Gly103Asp)

Gene: GATA5 (GATA binding protein 5; minus strand). Cytogenetic location: 20q13.33.
Variant type: single nucleotide variant.
Coding change: c.308G>A on transcript NM_080473.5 (MANE Select); coding-DNA position 308, G replaced by A.
Protein change: p.Gly103Asp; replaces glycine 103 with aspartic acid.
Molecular consequence: missense variant.
Genome position (GRCh38, 1-based): chr20:62,475,214, C>T on the plus strand (G>A on the coding strand, the complement: GATA5 is on the minus strand). VCF-style: chr20-62475214-C-T. GRCh37 (hg19) VCF-style: chr20-61050270-C-T.
Other names: short protein forms G103D.
Identifiers: ClinVar variation 1488524 (VCV001488524.7), dbSNP rs781841004, ClinGen allele CA9946324.

ClinVar aggregate classification (germline): Uncertain significance. Review status: criteria provided, multiple submitters, no conflicts (2 of 4 stars). 2 submissions from 2 submitters: Uncertain significance (2). Last evaluated 2022-02-15.

Allele frequency attached by ClinVar (database versions not stated): gnomAD exomes below 0.00001; gnomAD 0.00001; TOPMed 0.00001.
gnomAD v4.1: 3 of 1,252,674 alleles (0.00024%); highest among the groups gnomAD compares: African/African-American, 0.0031%; no homozygotes.

Submissions (2):

GeneDx
Classification: Uncertain significance. Last evaluated: 2022-02-15. Review status: criteria provided, single submitter. Criteria: GeneDx Variant Classification Process June 2021. Collection method: clinical testing. Allele origin: germline. Affected: yes.
Comment: In silico analysis supports that this missense variant does not alter protein structure/function; Has not been previously published as pathogenic or benign to our knowledge

Labcorp Genetics (formerly Invitae), Labcorp
Classification: Uncertain significance. Last evaluated: 2021-10-04. Review status: criteria provided, single submitter. Criteria: Invitae Variant Classification Sherloc (09022015). Collection method: clinical testing. Allele origin: germline.
Comment: In summary, the available evidence is currently insufficient to determine the role of this variant in disease. Therefore, it has been classified as a Variant of Uncertain Significance. Algorithms developed to predict the effect of missense changes on protein structure and function are either unavailable or do not agree on the potential impact of this missense change (SIFT: "Deleterious"; PolyPhen-2: "Benign"; Align-GVGD: "Class C0"). This variant has not been reported in the literature in individuals affected with GATA5-related conditions. The frequency data for this variant in the population databases is considered unreliable, as metrics indicate poor data quality at this position in the ExAC database. This sequence change replaces glycine with aspartic acid at codon 103 of the GATA5 protein (p.Gly103Asp). The glycine residue is weakly conserved and there is a moderate physicochemical difference between glycine and aspartic acid.